The following is an entry in ClinVar:

ClinVar aggregate classification (germline): Pathogenic/Likely pathogenic. Review status: criteria provided, multiple submitters, no conflicts (2 of 4 stars). 3 submissions from 3 submitters: Pathogenic (1); Likely pathogenic (2). Last evaluated 2025-11-21.

Conditions:
DST-related disorder. Also called: DST-related condition; DST-related disorders.
Hereditary sensory and autonomic neuropathy type 6. Also called: HSAN VI; Neuropathy, hereditary sensory and autonomic, type VI. Identifiers: Orphanet 314381, MedGen C3539003, MONDO:0013839, OMIM 614653.
Epidermolysis bullosa simplex 3, localized or generalized intermediate, with BP230 deficiency (EBS3). Also called: Epidermolysis bullosa simplex due to BP230 deficiency; Epidermolysis bullosa simplex, autosomal recessive 2. Identifiers: Orphanet 412181, MedGen C3809470, MONDO:0014180, OMIM 615425.

Submissions (3):

PreventionGenetics, part of Exact Sciences
Classification: Likely pathogenic for DST-related condition. Last evaluated: 2025-11-21. Review status: criteria provided, single submitter. Criteria: ACMG Guidelines, 2015. Collection method: clinical testing. Allele origin: germline.
Comment: The DST c.3586dupT variant is predicted to result in a frameshift and premature protein termination (p.Tyr1196Leufs*6). This variant can also be referred to as c.4830+4082dupT with the neuronal isoform, NM_001144769. To our knowledge, this variant has not been reported in the literature. This variant is reported in 0.011% of alleles in individuals of African descent in gnomAD. Frameshift variants in the epithelial DST isoform (NM_001723) are expected to be pathogenic for autosomal recessive epidermolysis bullosa simplex. This variant is interpreted as likely pathogenic.

Labcorp Genetics (formerly Invitae), Labcorp
Classification: Pathogenic for Epidermolysis bullosa simplex 3, localized or generalized intermediate, with BP230 deficiency; Hereditary sensory and autonomic neuropathy type 6. Last evaluated: 2024-04-25. Review status: criteria provided, single submitter. Criteria: Invitae Variant Classification Sherloc (09022015). Collection method: clinical testing. Allele origin: germline.
Comment: This sequence change creates a premature translational stop signal (p.Tyr1196Leufs*6) in the DST gene. It is expected to result in an absent or disrupted protein product. Loss-of-function variants in DST are known to be pathogenic (PMID: 22522446, 25059916, 30371979). This variant is present in population databases (no rsID available, gnomAD 0.01%). This variant has not been reported in the literature in individuals affected with DST-related conditions. For these reasons, this variant has been classified as Pathogenic.

Greenwood Genetic Center Diagnostic Laboratories, Greenwood Genetic Center
Classification: Likely pathogenic for DST-related disorder. Last evaluated: 2024-04-01. Review status: criteria provided, single submitter. Criteria: ACMG Guidelines, 2015. Collection method: clinical testing. Allele origin: germline. Affected: yes.
Comment: PVS1, PM2

Literature cited by the submitters: PubMed 22522446 (cited by Labcorp Genetics (formerly Invitae), Labcorp); PubMed 25059916 (cited by Labcorp Genetics (formerly Invitae), Labcorp); PubMed 30371979 (cited by Labcorp Genetics (formerly Invitae), Labcorp).

NM_001723.7(DST):c.3586dup (p.Tyr1196fs)

Gene: DST (dystonin; minus strand). Cytogenetic location: 6p12.1.
Variant type: Duplication.
Coding change: c.3586dup on transcript NM_001723.7 (MANE Plus Clinical); coding-DNA position 3586, one base duplicated (T; older notation c.3586dupT).
Protein change: p.Tyr1196fs; shifts the reading frame from tyrosine 1196.
Molecular consequence: frameshift variant. On other transcripts: intron variant (10).
Genome position (GRCh38, 1-based): chr6:56,620,448, A duplicated on the plus strand (T on the coding strand, the reverse complement: DST is on the minus strand). VCF-style (leftmost placement, unchanged base first): chr6-56620447-T-TA. GRCh37 (hg19) VCF-style: chr6-56485245-T-TA.
Other names: c.3586dupT (NM_001723.5); c.4830+4082dup (NM_001144769.5); c.4929+4082dup (NM_001374722.1, NM_001374736.1); c.4956+4082dup (NM_001374734.1); c.4416+4082dup (NM_001144770.2); c.4296+4082dup (NM_001374730.1, NM_001386100.1, NM_183380.4 and 1 more transcripts); c.3318+4082dup (NM_015548.5); short protein forms Y1196fs.
Identifiers: ClinVar variation 3338558 (VCV003338558.4).
Genomic context (GRCh38, chr6:56,620,447, plus strand): 5'-CGCTCCAGTTCTCTTTCAGCGGCTTCCTTCTCTCTCACAATGGTTTCAAGTTCCCTGCGG[T>TA]ACTGCTTGGCTTCACTTTCAGCCCTTATCTTCTGCAGAGAGATATCTTCTACATTTCTCT-3'